The following is an entry in ClinVar:

ClinVar aggregate classification (germline): Uncertain significance (1 of 4 stars; one submission).

Conditions:
Inborn genetic diseases. Identifiers: MedGen C0950123, MeSH D030342.

Submission:

Ambry Genetics
Classification: Uncertain significance for Inborn genetic diseases. Last evaluated: 2024-04-13. Review status: criteria provided, single submitter. Criteria: Ambry Variant Classification Scheme 2023. Collection method: clinical testing. Allele origin: germline.
Comment: The p.E203Q variant (also known as c.607G>C), located in coding exon 7 of the SGCD gene, results from a G to C substitution at nucleotide position 607. The glutamic acid at codon 203 is replaced by glutamine, an amino acid with highly similar properties. This amino acid position is conserved. In addition, this alteration is predicted to be deleterious by in silico analysis. Based on the available evidence, the clinical significance of this variant remains unclear.

NM_000337.6(SGCD):c.607G>C (p.Glu203Gln)

Gene: SGCD (sarcoglycan delta; plus strand). Cytogenetic location: 5q33.3.
Variant type: single nucleotide variant.
Coding change: c.607G>C on transcript NM_000337.6 (MANE Select); coding-DNA position 607, G replaced by C.
Protein change: p.Glu203Gln; replaces glutamic acid 203 with glutamine.
Molecular consequence: missense variant.
Genome position (GRCh38, 1-based): chr5:156,757,612, G>C. VCF-style: chr5-156757612-G-C. GRCh37 (hg19) VCF-style: chr5-156184623-G-C.
Other names: c.604G>C, p.Glu202Gln (NM_001128209.2); c.607G>C, p.Glu203Gln (NM_172244.3); short protein forms E202Q, E203Q.
Identifiers: ClinVar variation 3317907 (VCV003317907.1).